The following is an entry in ClinVar:

NM_001164760.2(PRKAR1B):c.154G>C (p.Glu52Gln)

Gene: PRKAR1B (protein kinase cAMP-dependent type I regulatory subunit beta; minus strand). Cytogenetic location: 7p22.3.
Variant type: single nucleotide variant.
Coding change: c.154G>C on transcript NM_001164760.2 (MANE Select); coding-DNA position 154, G replaced by C.
Protein change: p.Glu52Gln; replaces glutamic acid 52 with glutamine.
Molecular consequence: missense variant.
Genome position (GRCh38, 1-based): chr7:711,352, C>G on the plus strand (G>C on the coding strand, the complement: PRKAR1B is on the minus strand). VCF-style: chr7-711352-C-G. GRCh37 (hg19) VCF-style: chr7-750989-C-G.
Other names: c.154G>C, p.Glu52Gln (NM_001164758.2, NM_001164759.1, NM_001164761.2 and 2 more transcripts); short protein forms E52Q.
Identifiers: ClinVar variation 3363905 (VCV003363905.1).

ClinVar aggregate classification (germline): Uncertain significance (1 of 4 stars; one submission).

Submission:

GeneDx
Classification: Uncertain significance. Last evaluated: 2023-11-01. Review status: criteria provided, single submitter. Criteria: GeneDx Variant Classification Process June 2021. Collection method: clinical testing. Allele origin: germline. Affected: yes.
Comment: Not observed at significant frequency in large population cohorts (gnomAD); In silico analysis supports that this missense variant does not alter protein structure/function; Has not been previously published as pathogenic or benign to our knowledge